The following is an entry in ClinVar:

NM_005591.4(MRE11):c.1555G>T (p.Val519Phe)

Gene: MRE11 (MRE11 double strand break repair nuclease; minus strand). Cytogenetic location: 11q21.
Variant type: single nucleotide variant.
Coding change: c.1555G>T on transcript NM_005591.4 (MANE Select); coding-DNA position 1555, G replaced by T.
Protein change: p.Val519Phe; replaces valine 519 with phenylalanine.
Molecular consequence: missense variant.
Genome position (GRCh38, 1-based): chr11:94,456,284, C>A on the plus strand (G>T on the coding strand, the complement: MRE11 is on the minus strand). VCF-style: chr11-94456284-C-A. GRCh37 (hg19) VCF-style: chr11-94189450-C-A.
Other names: c.1555G>T, p.Val519Phe (NM_001330347.2, NM_005590.4); short protein forms V519F.
Identifiers: ClinVar variation 481755 (VCV000481755.15), dbSNP rs778116138, ClinGen allele CA6235043.
Genomic context (GRCh38, chr11:94,456,284, plus strand): 5'-CTAGTTTAAGAAAGTGATATATAAACACAAGAATTTGCAGCAGAATAATTACCTCACGGA[C>A]TTCATCATCTTCTTCATTAGTATTTTTTTGTCTGGTTTCTCTGAAACGACGTACCTAGAT-3'
Protein context (NP_005582.1, residues 509-529): QKNTNEEDDE[Val519Phe]REAMTRARAL

ClinVar aggregate classification (germline): Uncertain significance. Review status: criteria provided, multiple submitters, no conflicts (2 of 4 stars). 3 submissions from 3 submitters: Uncertain significance (3). Last evaluated 2025-10-22.

Conditions:
Ataxia-telangiectasia-like disorder (ATLD). Identifiers: MedGen C1858391, MONDO:0011457.
Hereditary cancer-predisposing syndrome. Also called: Neoplastic Syndromes, Hereditary; Tumor predisposition; Hereditary Cancer Syndrome; Hereditary neoplastic syndrome. Identifiers: Orphanet 140162, MedGen C0027672, MeSH D009386, MONDO:0015356.
Ataxia-telangiectasia-like disorder 1 (ATLD1). Identifiers: Orphanet 251347, MedGen C4012790, MONDO:0024557, OMIM 604391.

Allele frequency attached by ClinVar (database versions not stated): gnomAD 0.00002; TOPMed 0.00003.
gnomAD v4.1: 4 of 1,610,280 alleles (0.00025%); highest among the groups gnomAD compares: African/African-American, 0.0053%; no homozygotes.

Submissions (3):

Ambry Genetics
Classification: Uncertain significance for Hereditary cancer-predisposing syndrome. Last evaluated: 2025-10-22. Review status: criteria provided, single submitter. Criteria: Ambry Variant Classification Scheme 2023. Collection method: clinical testing. Allele origin: germline.
Comment: The p.V519F variant (also known as c.1555G>T), located in coding exon 13 of the MRE11A gene, results from a G to T substitution at nucleotide position 1555. The valine at codon 519 is replaced by phenylalanine, an amino acid with highly similar properties. This amino acid position is highly conserved in available vertebrate species. In addition, the in silico prediction for this alteration is inconclusive. Since supporting evidence is limited at this time, the clinical significance of this alteration remains unclear.

Labcorp Genetics (formerly Invitae), Labcorp
Classification: Uncertain significance for Ataxia-telangiectasia-like disorder. Last evaluated: 2025-06-12. Review status: criteria provided, single submitter. Criteria: Invitae Variant Classification Sherloc (09022015). Collection method: clinical testing. Allele origin: germline.
Comment: This sequence change replaces valine, which is neutral and non-polar, with phenylalanine, which is neutral and non-polar, at codon 519 of the MRE11 protein (p.Val519Phe). This variant is present in population databases (rs778116138, gnomAD 0.01%). This variant has not been reported in the literature in individuals affected with MRE11-related conditions. ClinVar contains an entry for this variant (Variation ID: 481755). An algorithm developed to predict the effect of missense changes on protein structure and function (PolyPhen-2) suggests that this variant is likely to be disruptive. In summary, the available evidence is currently insufficient to determine the role of this variant in disease. Therefore, it has been classified as a Variant of Uncertain Significance.

Baylor Genetics
Classification: Uncertain significance for Ataxia-telangiectasia-like disorder 1. Last evaluated: 2024-02-16. Review status: criteria provided, single submitter. Criteria: ACMG Guidelines, 2015. Collection method: clinical testing. Allele origin: unknown.